The following is an entry in ClinVar:

ClinVar aggregate classification (germline): Uncertain significance. Review status: criteria provided, multiple submitters, no conflicts (2 of 4 stars). 2 submissions from 2 submitters: Uncertain significance (2). Last evaluated 2023-09-14.

Conditions:
Neuroblastoma, susceptibility to, 3. Also called: ALK-Related Neuroblastic Tumor Susceptibility. Identifiers: Orphanet 635, MedGen C2751681, MONDO:0013083, OMIM 613014.

Allele frequency attached by ClinVar (database versions not stated): TOPMed 0.00001.

Submissions (2):

Baylor Genetics
Classification: Uncertain significance for Neuroblastoma, susceptibility to, 3. Last evaluated: 2023-09-14. Review status: criteria provided, single submitter. Criteria: ACMG Guidelines, 2015. Collection method: clinical testing. Allele origin: unknown.

Labcorp Genetics (formerly Invitae), Labcorp
Classification: Uncertain significance for Neuroblastoma, susceptibility to, 3. Last evaluated: 2023-08-04. Review status: criteria provided, single submitter. Criteria: Invitae Variant Classification Sherloc (09022015). Collection method: clinical testing. Allele origin: germline.
Comment: This sequence change replaces arginine, which is basic and polar, with tryptophan, which is neutral and slightly polar, at codon 41 of the ALK protein (p.Arg41Trp). The frequency data for this variant in the population databases is considered unreliable, as metrics indicate poor data quality at this position in the gnomAD database. This variant has not been reported in the literature in individuals affected with ALK-related conditions. ClinVar contains an entry for this variant (Variation ID: 239793). An algorithm developed to predict the effect of missense changes on protein structure and function (PolyPhen-2) suggests that this variant is likely to be disruptive. In summary, the available evidence is currently insufficient to determine the role of this variant in disease. Therefore, it has been classified as a Variant of Uncertain Significance.

NM_004304.5(ALK):c.121C>T (p.Arg41Trp)

Gene: ALK (ALK receptor tyrosine kinase; minus strand). Cytogenetic location: 2p23.1.
Variant type: single nucleotide variant.
Coding change: c.121C>T on transcript NM_004304.5 (MANE Select); coding-DNA position 121, C replaced by T.
Protein change: p.Arg41Trp; replaces arginine 41 with tryptophan.
Molecular consequence: missense variant.
Genome position (GRCh38, 1-based): chr2:29,920,539, G>A on the plus strand (C>T on the coding strand, the complement: ALK is on the minus strand). VCF-style: chr2-29920539-G-A. GRCh37 (hg19) VCF-style: chr2-30143405-G-A.
Other names: short protein forms R41W.
Identifiers: ClinVar variation 239793 (VCV000239793.11), dbSNP rs878854653, ClinGen allele CA10581967.